The following is an entry in ClinVar:

NM_052947.4(ALPK2):c.1744G>C (p.Glu582Gln)

Gene: ALPK2 (alpha kinase 2; minus strand). Cytogenetic location: 18q21.31.
Variant type: single nucleotide variant.
Coding change: c.1744G>C on transcript NM_052947.4 (MANE Select); coding-DNA position 1744, G replaced by C.
Protein change: p.Glu582Gln; replaces glutamic acid 582 with glutamine.
Molecular consequence: missense variant.
Genome position (GRCh38, 1-based): chr18:58,579,032, C>G on the plus strand (G>C on the coding strand, the complement: ALPK2 is on the minus strand). VCF-style: chr18-58579032-C-G. GRCh37 (hg19) VCF-style: chr18-56246264-C-G.
Other names: short protein forms E582Q.
Identifiers: ClinVar variation 1779264 (VCV001779264.3), dbSNP rs1463929448, ClinGen allele CA402560476.

ClinVar aggregate classification (germline): Uncertain significance (1 of 4 stars; one submission).

Allele frequency attached by ClinVar (database versions not stated): gnomAD 0.00001; TOPMed 0.00001.
gnomAD v4.1: 2 of 1,614,088 alleles (0.00012%); highest among the groups gnomAD compares: African/African-American, 0.0027%; no homozygotes.

Submission:

Ambry Genetics
Classification: Uncertain significance. Last evaluated: 2024-08-27. Review status: criteria provided, single submitter. Criteria: Ambry Variant Classification Scheme 2023. Collection method: clinical testing. Allele origin: germline.
Comment: The p.E582Q variant (also known as c.1744G>C), located in coding exon 3 of the ALPK2 gene, results from a G to C substitution at nucleotide position 1744. The glutamic acid at codon 582 is replaced by glutamine, an amino acid with highly similar properties. This amino acid position is conserved. In addition, this alteration is predicted to be tolerated by in silico analysis. Since supporting evidence is limited at this time, the clinical significance of this alteration remains unclear.